The following is an entry in ClinVar:

NM_012123.4(MTO1):c.1273G>A (p.Gly425Arg)

Gene: MTO1 (mitochondrial tRNA translation optimization 1; plus strand). Cytogenetic location: 6q13.
Variant type: single nucleotide variant.
Coding change: c.1273G>A on transcript NM_012123.4 (MANE Select); coding-DNA position 1273, G replaced by A.
Protein change: p.Gly425Arg; replaces glycine 425 with arginine.
Molecular consequence: missense variant.
Genome position (GRCh38, 1-based): chr6:73,482,052, G>A. VCF-style: chr6-73482052-G-A. GRCh37 (hg19) VCF-style: chr6-74191775-G-A.
Other names: c.1393G>A, p.Gly465Arg (NM_001123226.2); c.1348G>A, p.Gly450Arg (NM_133645.3); short protein forms G465R, G425R, G450R.
Identifiers: ClinVar variation 1514518 (VCV001514518.7), dbSNP rs779264207, ClinGen allele CA3889603.

ClinVar aggregate classification (germline): Uncertain significance. Review status: criteria provided, multiple submitters, no conflicts (2 of 4 stars). 2 submissions from 2 submitters: Uncertain significance (2). Last evaluated 2026-08-06.

Conditions:
Mitochondrial hypertrophic cardiomyopathy with lactic acidosis due to MTO1 deficiency. Also called: CARDIOMYOPATHY, INFANTILE HYPERTROPHIC MITOCHONDRIAL, AND LACTIC ACIDOSIS; Combined oxidative phosphorylation deficiency 10. Identifiers: Orphanet 314637, MedGen C4749921, MONDO:0013865, OMIM 614702.

Allele frequency attached by ClinVar (database versions not stated): gnomAD 0.00001; gnomAD exomes 0.00002; ExAC 0.00001.
gnomAD v4.1: 34 of 1,613,918 alleles (0.0021%); highest among the groups gnomAD compares: African/African-American, 0.0027%; no homozygotes.

Submissions (2):

OLLIN Analises Genomicas, OLLIN
Classification: Uncertain significance for Mitochondrial hypertrophic cardiomyopathy with lactic acidosis due to MTO1 deficiency. Last evaluated: 2026-08-06. Review status: criteria provided, single submitter. Criteria: ACMG Guidelines 2015 PMID 25741868. Collection method: clinical testing. Allele origin: germline. Inheritance: Autosomal recessive inheritance.
Comment: This missense variant, located in exon 8 (of 12), has been reported in ClinVar (accession VCV001514518.6), in gnomAD with an allele frequency of 0.0021%, and in the scientific literature, segregating with the phenotype and in compound heterozygosity, in individuals with MTO1 related disorders (PMID: 29331171). In silico analysis predicts that this variant has a deleterious effect. According to the currently available evidence, this variant has been classified as uncertain significance (PM2_P, PM3_S, PP3_M, PP1).

Labcorp Genetics (formerly Invitae), Labcorp
Classification: Uncertain significance for Mitochondrial hypertrophic cardiomyopathy with lactic acidosis due to MTO1 deficiency. Last evaluated: 2023-01-30. Review status: criteria provided, single submitter. Criteria: Invitae Variant Classification Sherloc (09022015). Collection method: clinical testing. Allele origin: germline.
Comment: In summary, the available evidence is currently insufficient to determine the role of this variant in disease. Therefore, it has been classified as a Variant of Uncertain Significance. Advanced modeling of protein sequence and biophysical properties (such as structural, functional, and spatial information, amino acid conservation, physicochemical variation, residue mobility, and thermodynamic stability) has been performed at Invitae for this missense variant, however the output from this modeling did not meet the statistical confidence thresholds required to predict the impact of this variant on MTO1 protein function. ClinVar contains an entry for this variant (Variation ID: 1514518). This missense change has been observed in individual(s) with clinical features of combined oxidative phosphorylation deficiency (PMID: 29331171). This variant is present in population databases (rs779264207, gnomAD 0.003%). This sequence change replaces glycine, which is neutral and non-polar, with arginine, which is basic and polar, at codon 425 of the MTO1 protein (p.Gly425Arg).

Literature cited by the submitters: PubMed 29331171 (cited by OLLIN Analises Genomicas, OLLIN and Labcorp Genetics (formerly Invitae), Labcorp).